The following continues an entry in ClinVar:

NM_007294.4(BRCA1):c.114G>A (p.Lys38=)

Gene: BRCA1. ClinVar aggregate classification (germline): Benign. Benign (1).

Submissions 24 to 35 of 35:

Counsyl
Classification: Benign for Breast-ovarian cancer, familial 1. Last evaluated: 2014-03-13. Review status: no assertion criteria provided. Collection method: literature only. Allele origin: unknown. Inheritance: Autosomal dominant inheritance. Not counted in ClinVar's aggregate classification.

Sharing Clinical Reports Project (SCRP)
Classification: Benign for Breast-ovarian cancer, familial 1. Last evaluated: 2011-03-03. Review status: no assertion criteria provided. Collection method: clinical testing. Allele origin: germline. Not counted in ClinVar's aggregate classification.

Breast Cancer Information Core (BIC) (BRCA1)
Classification: Benign for Breast-ovarian cancer, familial 1. Last evaluated: 2006-07-19. Review status: no assertion criteria provided. Collection method: clinical testing. Allele origin: germline, unknown. Affected: yes. Observed: 17 variant alleles. Not counted in ClinVar's aggregate classification.

Brotman Baty Institute, University of Washington
No classification provided (evidence only). Condition: Breast-ovarian cancer, familial 1. Review status: no classification provided. Collection method: in vitro. Allele origin: not applicable. Functional consequence: functionally_normal. Not counted in ClinVar's aggregate classification.
ClinVar note: "not provided" was previously submitted as the classification for the variant. However, the classification appeared to be based only on an observation of functional data so it was converted to no classification on 2025-07-30.

Clinical Genetics DNA and cytogenetics Diagnostics Lab, Erasmus MC, Erasmus Medical Center
Classification: Benign. Review status: no assertion criteria provided. Collection method: clinical testing. Allele origin: germline. Affected: yes. Study: VKGL Data-share Consensus. Not counted in ClinVar's aggregate classification.

Clinical Genetics Laboratory, Department of Pathology, Netherlands Cancer Institute
Classification: Benign. Review status: no assertion criteria provided. Collection method: clinical testing. Allele origin: germline. Affected: yes. Study: VKGL Data-share Consensus. Not counted in ClinVar's aggregate classification.

Department of Pathology and Laboratory Medicine, Sinai Health System
Classification: Benign. Review status: no assertion criteria provided. Collection method: clinical testing. Allele origin: unknown. Affected: yes. Study: The Canadian Open Genetics Repository (COGR). Not counted in ClinVar's aggregate classification.
Comment: The BRCA1 p.Lys38= variant was identified in 16 of 604 proband chromosomes (frequency: 0.026) from Asian and Colombian individuals or families with hereditary breast and/or ovarian cancer or early-onset breast cancer and was present in 3 of 142 control chromosomes (frequency: 0.021) from healthy individuals (Torres_2007_17080309, Ho_2000_10951344, Chen_2003_12602912, Song_2006_16835750, Toh_2008_18431501). The variant was also identified in dbSNP (ID: rs1800062) as â€šÃ„ÃºWith Uncertain significance, other alleleâ€šÃ„Ã¹, ClinVar and Clinvitae (11x classified as benign by ENIGMA, Laboratory Corporation of America, Baylor Miraca Genetics, British Columbia Cancer Agency (COGR), Sinai Health System (COGR), ARUP Laboratories, Invitae, Counsyl, Ambry Genetics, SCRP, BIC; 2x classified as likely benign by Illumina Clinical Services and CHEO), GeneInsight-COGR (classified as likely benign/benign by COGR consensus and Sinai Health System), LOVD 3.0 (11 entries, classified as does not affect function or not classified), UMD-LSDB (37 entries, 2 of which have co-occurring pathogenic variants), BIC Database (18 entries, classified as not pathogenic), and the Zhejiang Colon Cancer Database (5 entries classified as no known pathogenicity). The variant was not identified in the COSMIC, MutDB, or ARUP Laboratories databases. The variant was identified in control databases in 1135 of 276592 chromosomes (18 homozygous) at a frequency of 0.004 increasing the likelihood this could be a low frequency variant (Genome Aggregation Database Feb 27, 2017). Breakdown of the observations by population include African in 4 of 23984 chromosomes (freq: 0.0002), Other in 13 of 6450 chromosomes (freq: 0.002), Latino in 368 of 34346 chromosomes (freq: 0.01), European Non-Finnish in 2 of 126380 chromosomes (freq: 0.00002), East Asian in 741 of 18846 chromosomes (freq: 0.04), European Finnish in 1 of 25776 chromosomes (freq: 0.00004), and South Asian in 6 of 30688 chromosomes (freq: 0.0002) while the variant was not observed in the Ashkenazi Jewish population. The p.Lys38= variant is not expected to have clinical significance because it does not result in a change of amino acid and is not located in a known consensus splice site. The variant occurs outside of the splicing consensus sequence and 2 of 5 in silico or computational prediction software programs (SpliceSiteFinder, MaxEntScan, NNSPLICE, GeneSplicer, HumanSpliceFinder) predict a greater than 10% difference in splicing. However, this information is not predictive enough to assume pathogenicity. In summary, based on the above information this variant meets our laboratory's criteria to be classified as benign.

Diagnostic Laboratory, Department of Genetics, University Medical Center Groningen
Classification: Benign for Breast-ovarian cancer, familial, susceptibility to, 1. Review status: no assertion criteria provided. Collection method: clinical testing. Allele origin: germline. Affected: yes. Study: VKGL Data-share Consensus. Not counted in ClinVar's aggregate classification.

Dr. Peter K. Rogan Lab, Western University
No classification provided (evidence only). Condition: Malignant tumor of esophagus. Review status: no classification provided. Collection method: in vitro. Allele origin: not applicable. Functional consequence: skipped exon. Not counted in ClinVar's aggregate classification.

Genome Diagnostics Laboratory, University Medical Center Utrecht
Classification: Likely benign. Review status: no assertion criteria provided. Collection method: clinical testing. Allele origin: germline. Affected: yes. Study: VKGL Data-share Consensus. Not counted in ClinVar's aggregate classification.

Joint Genome Diagnostic Labs from Nijmegen and Maastricht, Radboudumc and MUMC+
Classification: Benign. Review status: no assertion criteria provided. Collection method: clinical testing. Allele origin: germline. Affected: yes. Study: VKGL Data-share Consensus. Not counted in ClinVar's aggregate classification.

Laboratory of Diagnostic Genome Analysis, Leiden University Medical Center (LUMC)
Classification: Benign. Review status: no assertion criteria provided. Collection method: clinical testing. Allele origin: germline. Affected: yes. Study: VKGL Data-share Consensus. Not counted in ClinVar's aggregate classification.

Literature cited by the submitters: DOI 10.3389/fgene.2022.834265 (cited by National Health Laboratory Service, Universitas Academic Hospital and University of the Free State); PubMed 36329109 (cited by Genetics Program, Instituto Nacional de Cancer); PubMed 29312738 (cited by Quest Diagnostics Nichols Institute San Juan Capistrano); PubMed 12872263 (cited by Quest Diagnostics Nichols Institute San Juan Capistrano); PubMed 19471317 (cited by Women's Health and Genetics/Laboratory Corporation of America, LabCorp); PubMed 15726418 (cited by Women's Health and Genetics/Laboratory Corporation of America, LabCorp and Counsyl); PubMed 10951344 (cited by Women's Health and Genetics/Laboratory Corporation of America, LabCorp and Counsyl); PubMed 19656164 (cited by Women's Health and Genetics/Laboratory Corporation of America, LabCorp); PubMed 12442274 (cited by Women's Health and Genetics/Laboratory Corporation of America, LabCorp); PubMed 16949048 (cited by Women's Health and Genetics/Laboratory Corporation of America, LabCorp and Counsyl); PubMed 10340909 (cited by Counsyl); PubMed 10323242 (cited by Counsyl); PubMed 16835750 (cited by Counsyl).